The following is an entry in ClinVar:

ClinVar aggregate classification (germline): Uncertain significance (1 of 4 stars; one submission).

Allele frequency attached by ClinVar (database versions not stated): TOPMed below 0.00001.
gnomAD v4.1: 13 of 1,586,332 alleles (0.00082%); highest among the groups gnomAD compares: Non-Finnish European, 0.0011%; no homozygotes.

Submission:

GeneDx
Classification: Uncertain significance. Last evaluated: 2018-11-27. Review status: criteria provided, single submitter. Criteria: GeneDx Variant Classification (06012015). Collection method: clinical testing. Allele origin: germline. Affected: yes.
Comment: A variant of uncertain significance has been identified in the LAMA4 gene. The P53T variant has not been published as pathogenic or been reported as benign to our knowledge. This variant is not observed in large population cohorts (Lek et al., 2016; 1000 Genomes Consortium et al., 2015; Exome Variant Server). The P53T variant is a non-conservative amino acid substitution, which is likely to impact secondary protein structure as these residues differ in polarity, charge, size and/or other properties. However, this substitution occurs at a position that is not conserved across species and in silico analysis suggests that this variant likely does not alter the protein structure/function.

NM_001105206.3(LAMA4):c.157C>A (p.Pro53Thr)

Genes: LAMA4 (laminin subunit alpha 4; minus strand), LAMA4-AS1 (LAMA4 antisense RNA 1; plus strand). Cytogenetic location: 6q21.
Variant type: single nucleotide variant.
Coding change: c.157C>A on transcript NM_001105206.3 (MANE Select); coding-DNA position 157, C replaced by A.
Protein change: p.Pro53Thr; replaces proline 53 with threonine.
Molecular consequence: missense variant.
Genome position (GRCh38, 1-based): chr6:112,253,994, G>T on the plus strand (C>A on the coding strand, the complement: LAMA4 is on the minus strand). VCF-style: chr6-112253994-G-T. GRCh37 (hg19) VCF-style: chr6-112575196-G-T.
Other names: c.157C>A, p.Pro53Thr (NM_001105207.3, NM_001105208.3, NM_001105209.3 and 1 more transcripts); short protein forms P53T.
Identifiers: ClinVar variation 423501 (VCV000423501.2), dbSNP rs782656592, ClinGen allele CA16618233.